The following is an entry in ClinVar:

NM_000158.4(GBE1):c.1759A>G (p.Met587Val)

Gene: GBE1 (1,4-alpha-glucan branching enzyme 1; minus strand). Cytogenetic location: 3p12.2.
Variant type: single nucleotide variant.
Coding change: c.1759A>G on transcript NM_000158.4 (MANE Select); coding-DNA position 1759, A replaced by G.
Protein change: p.Met587Val; replaces methionine 587 with valine.
Molecular consequence: missense variant.
Genome position (GRCh38, 1-based): chr3:81,536,955, T>C on the plus strand (A>G on the coding strand, the complement: GBE1 is on the minus strand). VCF-style: chr3-81536955-T-C. GRCh37 (hg19) VCF-style: chr3-81586106-T-C.
Other names: c.1759A>G (NM_000158.3); short protein forms M587V.
Identifiers: ClinVar variation 2154511 (VCV002154511.4), dbSNP rs572708424, ClinGen allele CA2499575.
Genomic context (GRCh38, chr3:81,536,955, plus strand): 5'-AGAGTGAAGAGCTTACCTGTGGAGCTGCAAGCCAACCATATCTTTCTTCCAATCTATTCA[T>C]ATCCCTGTCAAAATTATTTAGGAACTTGTAGCGAAGAAGGTCGTCGTCAGTTAAATGAAA-3'
Protein context (NP_000149.4, residues 577-597): YKFLNNFDRD[Met587Val]NRLEERYGWL

ClinVar aggregate classification (germline): Uncertain significance. Review status: criteria provided, multiple submitters, no conflicts (2 of 4 stars). 2 submissions from 2 submitters: Uncertain significance (2). Last evaluated 2022-06-23.

Conditions:
Glycogen storage disease IV, classic hepatic. Also called: GSD IV, CLASSIC HEPATIC. Identifiers: MedGen C1856301.
Glycogen storage disease, type IV (GSD4). Also called: Glycogen storage disease due to glycogen branching enzyme deficiency; AMYLOPECTINOSIS; ANDERSEN DISEASE; BRANCHER DEFICIENCY; CIRRHOSIS, FAMILIAL, WITH DEPOSITION OF ABNORMAL GLYCOGEN; GBE1 DEFICIENCY. Identifiers: Orphanet 367, MedGen C0017923, MONDO:0009292, OMIM 232500.

Allele frequency attached by ClinVar (database versions not stated): ExAC 0.00001; gnomAD 0.00001; gnomAD exomes 0.00001; 1000 Genomes Project 30x 0.00016; 1000 Genomes Project 0.00020.
gnomAD v4.1: 9 of 1,590,748 alleles (0.00057%); highest among the groups gnomAD compares: South Asian, 0.0035%; no homozygotes.

Submissions (2):

Labcorp Genetics (formerly Invitae), Labcorp
Classification: Uncertain significance for Glycogen storage disease, type IV; Glycogen storage disease IV, classic hepatic. Last evaluated: 2022-06-23. Review status: criteria provided, single submitter. Criteria: Invitae Variant Classification Sherloc (09022015). Collection method: clinical testing. Allele origin: germline.
Comment: This sequence change replaces methionine, which is neutral and non-polar, with valine, which is neutral and non-polar, at codon 587 of the GBE1 protein (p.Met587Val). This variant is present in population databases (rs572708424, gnomAD 0.004%). This variant has not been reported in the literature in individuals affected with GBE1-related conditions. Advanced modeling of protein sequence and biophysical properties (such as structural, functional, and spatial information, amino acid conservation, physicochemical variation, residue mobility, and thermodynamic stability) performed at Invitae indicates that this missense variant is not expected to disrupt GBE1 protein function. In summary, the available evidence is currently insufficient to determine the role of this variant in disease. Therefore, it has been classified as a Variant of Uncertain Significance.

Revvity Omics, Revvity
Classification: Uncertain significance. Last evaluated: 2019-05-16. Review status: criteria provided, single submitter. Criteria: ACMG Guidelines, 2015. Collection method: clinical testing. Allele origin: germline.